The following is an entry in ClinVar:

NM_000548.5(TSC2):c.3614A>C (p.Asn1205Thr)

Gene: TSC2 (TSC complex subunit 2; plus strand). Cytogenetic location: 16p13.3.
Variant type: single nucleotide variant.
Coding change: c.3614A>C on transcript NM_000548.5 (MANE Select); coding-DNA position 3614, A replaced by C.
Protein change: p.Asn1205Thr; replaces asparagine 1205 with threonine.
Molecular consequence: missense variant. On other transcripts: non-coding transcript variant (5).
Genome position (GRCh38, 1-based): chr16:2,081,598, A>C. VCF-style: chr16-2081598-A-C. GRCh37 (hg19) VCF-style: chr16-2131599-A-C.
Other names: c.3482A>C, p.Asn1161Thr (NM_001077183.3, NM_001370404.1, NM_001406665.1); c.3614A>C, p.Asn1205Thr (NM_001114382.3); c.3374A>C, p.Asn1125Thr (NM_001318827.2); c.3338A>C, p.Asn1113Thr (NM_001318829.2); c.2882A>C, p.Asn961Thr (NM_001318831.2, NM_001406687.1, NM_001406688.1); c.3515A>C, p.Asn1172Thr (NM_001318832.2); c.3485A>C, p.Asn1162Thr (NM_001363528.2, NM_001370405.1, NM_021055.3); c.3611A>C, p.Asn1204Thr (NM_001406663.1, NM_001406664.1); and 18 more; short protein forms N1005T, N1112T, N1124T, N1156T, N1158T, N1162T, N1192T, N757T.
Identifiers: ClinVar variation 2564690 (VCV002564690.2), dbSNP rs2544152198, ClinGen allele CA394291410.
Genomic context (GRCh38, chr16:2,081,598, plus strand): 5'-CAGAGATGGGTAAGGGGAGGTACTGGCCTCAGGCCAAAGGTGCTGCCGCCTCCGCAGGGA[A>C]CACCAGCTGGCTGATGAGCCTGGAGAACCCGCTCAGCCCTTTCTCCTCGGACATCAACAA-3'
Protein context (NP_000539.2, residues 1195-1215): AEILVRRPTG[Asn1205Thr]TSWLMSLENP

ClinVar aggregate classification (germline): Uncertain significance (1 of 4 stars; one submission).

Conditions:
Hereditary cancer-predisposing syndrome. Also called: Neoplastic Syndromes, Hereditary; Hereditary Cancer Syndrome; Hereditary neoplastic syndrome; Tumor predisposition. Identifiers: Orphanet 140162, MedGen C0027672, MeSH D009386, MONDO:0015356.

Submission:

Ambry Genetics
Classification: Uncertain significance for Hereditary cancer-predisposing syndrome. Last evaluated: 2023-04-18. Review status: criteria provided, single submitter. Criteria: Ambry Variant Classification Scheme 2023. Collection method: clinical testing. Allele origin: germline.
Comment: The p.N1205T variant (also known as c.3614A>C), located in coding exon 30 of the TSC2 gene, results from an A to C substitution at nucleotide position 3614. The asparagine at codon 1205 is replaced by threonine, an amino acid with similar properties. This amino acid position is conserved. In addition, the in silico prediction for this alteration is inconclusive. Since supporting evidence is limited at this time, the clinical significance of this alteration remains unclear.